The following is an entry in ClinVar:

NM_018163.3(DNAJC17):c.183G>T (p.Glu61Asp)

Gene: DNAJC17 (DnaJ heat shock protein family (Hsp40) member C17; minus strand). Cytogenetic location: 15q15.1.
Variant type: single nucleotide variant.
Coding change: c.183G>T on transcript NM_018163.3 (MANE Select); coding-DNA position 183, G replaced by T.
Protein change: p.Glu61Asp; replaces glutamic acid 61 with aspartic acid.
Molecular consequence: missense variant.
Genome position (GRCh38, 1-based): chr15:40,779,569, C>A on the plus strand (G>T on the coding strand, the complement: DNAJC17 is on the minus strand). VCF-style: chr15-40779569-C-A. GRCh37 (hg19) VCF-style: chr15-41071767-C-A.
Other names: short protein forms E61D.
Identifiers: ClinVar variation 1474213 (VCV001474213.6), dbSNP rs1889423273, ClinGen allele CA391767679.

ClinVar aggregate classification (germline): Uncertain significance (1 of 4 stars; one submission).

Allele frequency attached by ClinVar (database versions not stated): gnomAD exomes below 0.00001.
gnomAD v4.1: 1 of 1,614,098 alleles (0.000062%); highest among the groups gnomAD compares: Non-Finnish European, 0.000085%; no homozygotes.

Submission:

Labcorp Genetics (formerly Invitae), Labcorp
Classification: Uncertain significance. Last evaluated: 2023-11-27. Review status: criteria provided, single submitter. Criteria: Invitae Variant Classification Sherloc (09022015). Collection method: clinical testing. Allele origin: germline.
Comment: This sequence change replaces glutamic acid, which is acidic and polar, with aspartic acid, which is acidic and polar, at codon 61 of the DNAJC17 protein (p.Glu61Asp). This variant is not present in population databases (gnomAD no frequency). This variant has not been reported in the literature in individuals affected with DNAJC17-related conditions. ClinVar contains an entry for this variant (Variation ID: 1474213). An algorithm developed to predict the effect of missense changes on protein structure and function (PolyPhen-2) suggests that this variant is likely to be tolerated. In summary, the available evidence is currently insufficient to determine the role of this variant in disease. Therefore, it has been classified as a Variant of Uncertain Significance.